The following is an entry in ClinVar:

ClinVar aggregate classification (germline): Conflicting classifications of pathogenicity. Review status: criteria provided, conflicting classifications (1 of 4 stars). 7 submissions from 7 submitters: Pathogenic (2); Likely pathogenic (3); Uncertain significance (1). 1 of the submissions does not count toward it. Last evaluated 2025-05-23.

Conditions:
ALDH7A1-related disorder. Also called: ALDH7A1-related condition.
Pyridoxine-dependent epilepsy (EPEO4). Also called: PYRIDOXINE DEPENDENCY WITH SEIZURES; Pyridoxine-Dependent Seizures; EPILEPSY, EARLY-ONSET, 4, VITAMIN B6-DEPENDENT; Pyridoxine-Dependent Epilepsy - ALDH7A1. Identifiers: Orphanet 3006, MedGen C1849508, MONDO:0009945, OMIM 266100. Disease mechanism: loss of function.

Allele frequency attached by ClinVar (database versions not stated): gnomAD 0.00001; gnomAD exomes 0.00001; ExAC 0.00002; TOPMed 0.00002; ESP Exome Variant Server 0.00008.
gnomAD v4.1: 11 of 1,614,040 alleles (0.00068%); highest among the groups gnomAD compares: African/African-American, 0.004%; no homozygotes.

Submissions (7):

GeneDx
Classification: Pathogenic. Last evaluated: 2025-05-23. Review status: criteria provided, single submitter. Criteria: GeneDx Variant Classification Process June 2021. Collection method: clinical testing. Allele origin: germline. Affected: yes.
Comment: Reported in a patient with epilepsy and/or a neurodevelopmental disorder, but additional information was not provided (PMID: 29655203); Not observed at a significant frequency in large population cohorts (gnomAD); In silico analysis supports that this missense variant has a deleterious effect on protein structure/function; This variant is associated with the following publications: (PMID: 32956737, 30043187, 34426522, 29655203)

Labcorp Genetics (formerly Invitae), Labcorp
Classification: Pathogenic for Pyridoxine-dependent epilepsy. Last evaluated: 2024-10-30. Review status: criteria provided, single submitter. Criteria: Invitae Variant Classification Sherloc (09022015). Collection method: clinical testing. Allele origin: germline.
Comment: This sequence change replaces threonine, which is neutral and polar, with methionine, which is neutral and non-polar, at codon 192 of the ALDH7A1 protein (p.Thr192Met). This variant is present in population databases (rs376917645, gnomAD 0.007%). This missense change has been observed in individual(s) with epilepsy (PMID: 29655203; internal data). In at least one individual the data is consistent with being in trans (on the opposite chromosome) from a pathogenic variant. It has also been observed to segregate with disease in related individuals. ClinVar contains an entry for this variant (Variation ID: 265033). Invitae Evidence Modeling of protein sequence and biophysical properties (such as structural, functional, and spatial information, amino acid conservation, physicochemical variation, residue mobility, and thermodynamic stability) indicates that this missense variant is expected to disrupt ALDH7A1 protein function with a positive predictive value of 95%. For these reasons, this variant has been classified as Pathogenic.

Fulgent Genetics
Classification: Likely pathogenic for Pyridoxine-dependent epilepsy. Last evaluated: 2024-03-20. Review status: criteria provided, single submitter. Criteria: ACMG Guidelines, 2015. Collection method: clinical testing. Allele origin: germline.

Women's Health and Genetics/Laboratory Corporation of America, LabCorp
Classification: Likely pathogenic for Pyridoxine-dependent epilepsy. Last evaluated: 2024-03-19. Review status: criteria provided, single submitter. Criteria: LabCorp Variant Classification Summary - May 2015. Collection method: clinical testing. Allele origin: germline.
Comment: Variant summary: ALDH7A1 c.575C>T (p.Thr192Met) results in a non-conservative amino acid change located in the Aldehyde dehydrogenase domain (IPR015590) of the encoded protein sequence. Five of five in-silico tools predict a damaging effect of the variant on protein function. The variant allele was found at a frequency of 1.2e-05 in 251476 control chromosomes (gnomAD). c.575C>T has been reported in the literature in individuals affected with Pyridoxine-Dependent Epilepsy (Lindy_2018, Couglin_2019, GIbaud_2021). These data indicate that the variant is likely to be associated with disease. To our knowledge, no experimental evidence demonstrating an impact on protein function has been reported. The following publications have been ascertained in the context of this evaluation (PMID: 29655203, 30043187, 33748042). ClinVar contains an entry for this variant (Variation ID: 265033). Based on the evidence outlined above, the variant was classified as likely pathogenic.

Blueprint Genetics
Classification: Likely pathogenic for ALDH7A1-related disorders. Last evaluated: 2023-03-13. Review status: criteria provided, single submitter. Criteria: ACMG Guidelines, 2015. Collection method: clinical testing. Allele origin: germline. Affected: yes. Observed: 4 variant alleles.

CeGaT Center for Human Genetics Tuebingen
Classification: Uncertain significance. Last evaluated: 2017-06-01. Review status: criteria provided, single submitter. Criteria: CeGaT Center For Human Genetics Tuebingen Variant Classification Criteria Version 2. Collection method: clinical testing. Allele origin: germline. Affected: yes. Observed: 1 variant allele.

PreventionGenetics, part of Exact Sciences
Classification: Likely pathogenic for ALDH7A1-related condition. Last evaluated: 2024-01-02. Review status: no assertion criteria provided. Collection method: clinical testing. Allele origin: germline. Not counted in ClinVar's aggregate classification.
Comment: The ALDH7A1 c.575C>T variant is predicted to result in the amino acid substitution p.Thr192Met. This variant has been reported in multiple individuals with epilepsy and/or neurodevelopmental disorders (Lindy et al. 2018. PubMed ID: 29655203, table S4; Coughlin et al. 2019. PubMed ID: 30043187, Supp Table II). It was reported in the compound heterozygous state with a pathogenic variant in two individual in the literature (Coughlin CR 2nd et al. 2019. PubMed ID: 30043187, Supp Table II) and by a diagnostic lab in ClinVar, where it has classifications of uncertain and pathogenic. This variant is reported in 0.0062% of alleles in individuals of African descent in gnomAD. Taken together, we classify this variant to be likely pathogenic.

Literature cited by the submitters: PubMed 29655203 (cited by Labcorp Genetics (formerly Invitae), Labcorp and Women's Health and Genetics/Laboratory Corporation of America, LabCorp); PubMed 30043187 (cited by Women's Health and Genetics/Laboratory Corporation of America, LabCorp); PubMed 33748042 (cited by Women's Health and Genetics/Laboratory Corporation of America, LabCorp).

NM_001182.5(ALDH7A1):c.575C>T (p.Thr192Met)

Gene: ALDH7A1 (aldehyde dehydrogenase 7 family member A1; minus strand). Cytogenetic location: 5q23.2.
Variant type: single nucleotide variant.
Coding change: c.575C>T on transcript NM_001182.5 (MANE Select); coding-DNA position 575, C replaced by T.
Protein change: p.Thr192Met; replaces threonine 192 with methionine.
Molecular consequence: missense variant.
Genome position (GRCh38, 1-based): chr5:126,577,154, G>A on the plus strand (C>T on the coding strand, the complement: ALDH7A1 is on the minus strand). VCF-style: chr5-126577154-G-A. GRCh37 (hg19) VCF-style: chr5-125912846-G-A.
Other names: c.491C>T, p.Thr164Met (NM_001201377.2); c.575C>T, p.Thr192Met (NM_001202404.2); short protein forms T192M, T164M.
Identifiers: ClinVar variation 265033 (VCV000265033.58), dbSNP rs376917645, ClinGen allele CA3389728.